The following is an entry in ClinVar:

NM_004311.4(ARL3):c.3+1G>A

Gene: ARL3 (ARF like GTPase 3; minus strand). Cytogenetic location: 10q24.32.
Variant type: single nucleotide variant.
Coding change: c.3+1G>A on transcript NM_004311.4 (MANE Select); the canonical splice donor site of the intron after coding-DNA position 3, G replaced by A.
Molecular consequence: splice donor variant.
Genome position (GRCh38, 1-based): chr10:102,714,272, C>T on the plus strand (G>A on the coding strand, the complement: ARL3 is on the minus strand). VCF-style: chr10-102714272-C-T. GRCh37 (hg19) VCF-style: chr10-104474029-C-T.
Identifiers: ClinVar variation 1019921 (VCV001019921.10), dbSNP rs776246146, ClinGen allele CA5668560.
Genomic context (GRCh38, chr10:102,714,272, plus strand): 5'-GCCTGGGGACGGGAGGGGGATAACCGGCCGGCTCCAAGGGGGCCCAGGCCCCCACACTCA[C>T]CATCCTCCCGCCGAGTCCCTCCTCCTCCTCCTCCTCCTGCTGCCTCCCCCGTTACCAGGG-3'

ClinVar aggregate classification (germline): Uncertain significance. Review status: criteria provided, multiple submitters, no conflicts (2 of 4 stars). 3 submissions from 3 submitters: Uncertain significance (3). Last evaluated 2024-10-29.

Conditions:
Joubert syndrome 35. Identifiers: MedGen C4748442, MONDO:0032570, OMIM 618161.

Allele frequency attached by ClinVar (database versions not stated): TOPMed below 0.00001; ExAC 0.00001; gnomAD exomes 0.00002.

Submissions (3):

Labcorp Genetics (formerly Invitae), Labcorp
Classification: Uncertain significance. Last evaluated: 2024-10-29. Review status: criteria provided, single submitter. Criteria: Invitae Variant Classification Sherloc (09022015). Collection method: clinical testing. Allele origin: germline.
Comment: This sequence change affects a donor splice site in intron 1 of the ARL3 gene. It is expected to disrupt RNA splicing. Variants that disrupt the donor or acceptor splice site typically lead to a loss of protein function (PMID: 16199547), however the current clinical and genetic evidence is not sufficient to establish whether loss-of-function variants in ARL3 cause disease. This variant is present in population databases (rs776246146, gnomAD 0.003%). This variant has not been reported in the literature in individuals affected with ARL3-related conditions. ClinVar contains an entry for this variant (Variation ID: 1019921). Algorithms developed to predict the effect of sequence changes on RNA splicing suggest that this variant may disrupt the consensus splice site. In summary, the available evidence is currently insufficient to determine the role of this variant in disease. Therefore, it has been classified as a Variant of Uncertain Significance.

Blueprint Genetics
Classification: Uncertain significance. Last evaluated: 2022-12-13. Review status: criteria provided, single submitter. Criteria: ACMG Guidelines, 2015. Collection method: clinical testing. Allele origin: germline.

Suma Genomics
Classification: Uncertain significance for Joubert syndrome 35. Review status: criteria provided, single submitter. Criteria: ACMG Guidelines, 2015. Collection method: clinical testing. Allele origin: germline. Inheritance: Autosomal recessive inheritance. Affected: yes. Observed: 1 homozygote.
Comment: A splice variant c.3+1G>A (g.102714272C>T) is observed in intron 1 of ARL3 in homozygous state. This variant is observed in 21 individuals in the gnomAD database in heterozygous state. In-silico analysis tool SpliceAI predicts this variant in ARL3 to cause aberrant splicing. ACMG classification: Variant of uncertain significance Criteria met: PVS1_Supporting and PM2_Supporting

Literature cited by the submitters: PubMed 16199547 (cited by Labcorp Genetics (formerly Invitae), Labcorp).